The following is an entry in ClinVar:

ClinVar aggregate classification (germline): Uncertain significance (1 of 4 stars; one submission).

Submission:

GeneDx
Classification: Uncertain significance. Last evaluated: 2026-02-20. Review status: criteria provided, single submitter. Criteria: GeneDx Variant Classification Process June 2021. Collection method: clinical testing. Allele origin: germline.
Comment: Not observed at significant frequency in large population cohorts (gnomAD); Frameshift variant predicted to result in abnormal protein length as the last 18 amino acid(s) are replaced with 16 different amino acid(s) with an unclear effect on protein function; Has not been previously published as pathogenic or benign to our knowledge

NM_181672.3(OGT):c.3058_3083dup (p.Ala1029fs)

Gene: OGT (O-linked N-acetylglucosamine (GlcNAc) transferase; plus strand). Cytogenetic location: Xq13.1.
Variant type: Duplication.
Coding change: c.3058_3083dup on transcript NM_181672.3 (MANE Select); coding-DNA positions 3058 to 3083, 26 bases duplicated (TATCTACAGATGTGGGAGCATTATGC).
Protein change: p.Ala1029fs; shifts the reading frame from alanine 1029.
Molecular consequence: frameshift variant.
Genome position (GRCh38, 1-based): chrX:71,573,711-71,573,736, TATCTACAGATGTGGGAGCATTATGC duplicated; duplicating any 26 consecutive bases within chrX:71,573,710-71,573,736 gives the same sequence; the c. name uses the placement nearest the transcript's 3' end. VCF-style (leftmost placement, unchanged base first): chrX-71573709-T-TCTATCTACAGATGTGGGAGCATTATG. GRCh37 (hg19) VCF-style: chrX-70793559-T-TCTATCTACAGATGTGGGAGCATTATG.
Other names: c.3028_3053dup, p.Ala1019fs (NM_181673.3); short protein forms A1019fs, A1029fs.
Identifiers: ClinVar variation 5009938 (VCV005009938.1).